The following is an entry in ClinVar:

NM_006033.4(LIPG):c.826C>T (p.Arg276Ter)

Gene: LIPG (lipase G, endothelial type; plus strand). Cytogenetic location: 18q21.1.
Variant type: single nucleotide variant.
Coding change: c.826C>T on transcript NM_006033.4 (MANE Select); coding-DNA position 826, C replaced by T.
Protein change: p.Arg276Ter; replaces arginine 276 with a stop codon.
Molecular consequence: nonsense.
Genome position (GRCh38, 1-based): chr18:49,581,447, C>T. VCF-style: chr18-49581447-C-T. GRCh37 (hg19) VCF-style: chr18-47107817-C-T.
Other names: c.604C>T, p.Arg202Ter (NM_001308006.2); short protein forms R276*, R202*.
Identifiers: ClinVar variation 4749867 (VCV004749867.1).

ClinVar aggregate classification (germline): Uncertain significance (1 of 4 stars; one submission).

gnomAD v4.1: 7 of 1,614,044 alleles (0.00043%); highest among the groups gnomAD compares: East Asian, 0.0022%; no homozygotes.

Submission:

Labcorp Genetics (formerly Invitae), Labcorp
Classification: Uncertain significance. Last evaluated: 2025-09-26. Review status: criteria provided, single submitter. Criteria: Invitae Variant Classification Sherloc (09022015). Collection method: clinical testing. Allele origin: germline.
Comment: This sequence change creates a premature translational stop signal (p.Arg276*) in the LIPG gene. It is expected to result in an absent or disrupted protein product. This variant is present in population databases (rs34605738, gnomAD 0.002%). This variant has not been reported in the literature in individuals affected with LIPG-related conditions. In summary, the available evidence is currently insufficient to determine the role of this variant in disease. Therefore, it has been classified as a Variant of Uncertain Significance.